The following is an entry in ClinVar:

NM_033100.4(CDHR1):c.2367G>A (p.Pro789=)

Gene: CDHR1 (cadherin related family member 1; plus strand). Cytogenetic location: 10q23.1.
Variant type: single nucleotide variant.
Coding change: c.2367G>A on transcript NM_033100.4 (MANE Select); coding-DNA position 2367, G replaced by A.
Protein change: p.Pro789=; no amino-acid change (proline 789 retained).
Molecular consequence: synonymous variant. On other transcripts: intron variant (1).
Genome position (GRCh38, 1-based): chr10:84,214,408, G>A. VCF-style: chr10-84214408-G-A. GRCh37 (hg19) VCF-style: chr10-85974164-G-A.
Other names: c.2040+1060G>A (NM_001171971.3).
Identifiers: ClinVar variation 301258 (VCV000301258.40), dbSNP rs150097621, ClinGen allele CA5580206.

ClinVar aggregate classification (germline): Conflicting classifications of pathogenicity. Review status: criteria provided, conflicting classifications (1 of 4 stars). 4 submissions from 4 submitters: Uncertain significance (1); Likely benign (3). Last evaluated 2026-01-26.

Conditions:
Cone-rod dystrophy 15 (CORD15). Identifiers: MedGen C3150912, MONDO:0013348, OMIM 613660.

Allele frequency attached by ClinVar (database versions not stated): ESP Exome Variant Server 0.00038; gnomAD 0.00040 and 0.00044; TOPMed 0.00042; gnomAD exomes 0.00045; ExAC 0.00048.
gnomAD v4.1: 768 of 1,613,590 alleles (0.048%); highest among the groups gnomAD compares: Non-Finnish European, 0.059%; no homozygotes.

Submissions (4):

Labcorp Genetics (formerly Invitae), Labcorp
Classification: Likely benign. Last evaluated: 2026-01-26. Review status: criteria provided, single submitter. Criteria: Invitae Variant Classification Sherloc (09022015). Collection method: clinical testing. Allele origin: germline.

Blueprint Genetics
Classification: Likely benign. Last evaluated: 2024-10-28. Review status: criteria provided, single submitter. Criteria: ACMG Guidelines, 2015. Collection method: clinical testing. Allele origin: germline.

CeGaT Center for Human Genetics Tuebingen
Classification: Likely benign. Last evaluated: 2022-05-01. Review status: criteria provided, single submitter. Criteria: CeGaT Center For Human Genetics Tuebingen Variant Classification Criteria Version 2. Collection method: clinical testing. Allele origin: germline. Affected: yes. Observed: 1 variant allele.
Comment: CDHR1: BP4, BP7

Illumina Laboratory Services, Illumina
Classification: Uncertain significance for Cone-rod dystrophy 15. Last evaluated: 2018-01-12. Review status: criteria provided, single submitter. Criteria: ICSL Variant Classification Criteria 13 December 2019. Collection method: clinical testing. Allele origin: germline.